The following is an entry in ClinVar:

ClinVar aggregate classification (germline): Uncertain significance (1 of 4 stars; one submission).

Conditions:
ALDH18A1-related disorder. Also called: ALDH18A1-related disorders.

Submission:

PreventionGenetics, part of Exact Sciences
Classification: Uncertain significance for ALDH18A1-related condition. Last evaluated: 2022-09-16. Review status: criteria provided, single submitter. Criteria: ACMG Guidelines, 2015. Collection method: clinical testing. Allele origin: germline.
Comment: The ALDH18A1 c.1756A>C variant is predicted to result in the amino acid substitution p.Met586Leu. To our knowledge, this variant has not been reported in the literature or in a large population database, indicating this variant is rare. At this time, the clinical significance of this variant is uncertain due to the absence of conclusive functional and genetic evidence.

NM_002860.4(ALDH18A1):c.1756A>C (p.Met586Leu)

Gene: ALDH18A1 (aldehyde dehydrogenase 18 family member A1; minus strand). Cytogenetic location: 10q24.1.
Variant type: single nucleotide variant.
Coding change: c.1756A>C on transcript NM_002860.4 (MANE Select); coding-DNA position 1756, A replaced by C.
Protein change: p.Met586Leu; replaces methionine 586 with leucine.
Molecular consequence: missense variant.
Genome position (GRCh38, 1-based): chr10:95,614,011, T>G on the plus strand (A>C on the coding strand, the complement: ALDH18A1 is on the minus strand). VCF-style: chr10-95614011-T-G. GRCh37 (hg19) VCF-style: chr10-97373768-T-G.
Other names: c.1750A>C, p.Met584Leu (NM_001017423.2, NM_001323415.2); c.1423A>C, p.Met475Leu (NM_001323412.2, NM_001323416.2); c.1756A>C, p.Met586Leu (NM_001323413.2, NM_001323414.2); c.1651A>C, p.Met551Leu (NM_001323417.2); c.1417A>C, p.Met473Leu (NM_001323418.2); c.1120A>C, p.Met374Leu (NM_001323419.2); short protein forms M374L, M473L, M475L, M551L, M584L, M586L.
Identifiers: ClinVar variation 2637385 (VCV002637385.1), dbSNP rs753064442, ClinGen allele CA377700584.